The following is an entry in ClinVar:

NM_001134831.2(AHI1):c.336T>C (p.Asn112=)

Gene: AHI1 (Abelson helper integration site 1; minus strand). Cytogenetic location: 6q23.3.
Variant type: single nucleotide variant.
Coding change: c.336T>C on transcript NM_001134831.2 (MANE Select); coding-DNA position 336, T replaced by C.
Protein change: p.Asn112=; no amino-acid change (asparagine 112 retained).
Molecular consequence: synonymous variant.
Genome position (GRCh38, 1-based): chr6:135,466,227, A>G on the plus strand (T>C on the coding strand, the complement: AHI1 is on the minus strand). VCF-style: chr6-135466227-A-G. GRCh37 (hg19) VCF-style: chr6-135787365-A-G.
Other names: c.336T>C, p.Asn112= (NM_001134830.2, NM_001134832.2, NM_001350503.2 and 2 more transcripts).
Identifiers: ClinVar variation 2145157 (VCV002145157.29), dbSNP rs559629609, ClinGen allele CA4012848.

ClinVar aggregate classification (germline): Likely benign. Review status: criteria provided, multiple submitters, no conflicts (2 of 4 stars). 3 submissions from 3 submitters: Likely benign (3). Last evaluated 2024-09-06.

Conditions:
Joubert syndrome. Also called: Familial aplasia of the vermis; JOUBERT-BOLTSHAUSER SYNDROME. Identifiers: Orphanet 475, MedGen C5979921, MONDO:0018772.

Allele frequency attached by ClinVar (database versions not stated): ExAC 0.00001; gnomAD 0.00003.
gnomAD v4.1: 27 of 1,613,832 alleles (0.0017%); highest among the groups gnomAD compares: Non-Finnish European, 0.002%; no homozygotes.

Submissions (3):

Labcorp Genetics (formerly Invitae), Labcorp
Classification: Likely benign for Joubert syndrome. Last evaluated: 2024-09-06. Review status: criteria provided, single submitter. Criteria: Invitae Variant Classification Sherloc (09022015). Collection method: clinical testing. Allele origin: germline.

Blueprint Genetics
Classification: Likely benign. Last evaluated: 2023-09-09. Review status: criteria provided, single submitter. Criteria: ACMG Guidelines, 2015. Collection method: clinical testing. Allele origin: germline.

CeGaT Center for Human Genetics Tuebingen
Classification: Likely benign. Last evaluated: 2022-08-01. Review status: criteria provided, single submitter. Criteria: CeGaT Center For Human Genetics Tuebingen Variant Classification Criteria Version 2. Collection method: clinical testing. Allele origin: germline. Affected: yes. Observed: 1 variant allele.
Comment: AHI1: BP4, BP7